The following is an entry in ClinVar:

NM_001277115.2(DNAH11):c.13468T>G (p.Tyr4490Asp)

Genes: CDCA7L (cell division cycle associated 7 like; minus strand), DNAH11 (dynein axonemal heavy chain 11; plus strand). Cytogenetic location: 7p15.3.
Variant type: single nucleotide variant.
Coding change: c.13468T>G on transcript NM_001277115.2 (MANE Select); coding-DNA position 13468, T replaced by G.
Protein change: p.Tyr4490Asp; replaces tyrosine 4490 with aspartic acid.
Molecular consequence: missense variant. On other transcripts: 3 prime UTR variant (3).
Genome position (GRCh38, 1-based): chr7:21,901,171, T>G. VCF-style: chr7-21901171-T-G. GRCh37 (hg19) VCF-style: chr7-21940789-T-G.
Other names: c.*1151A>C (NM_001127370.3, NM_001127371.3, NM_018719.5); short protein forms Y4490D.
Identifiers: ClinVar variation 4691045 (VCV004691045.1).
Genomic context (GRCh38, chr7:21,901,171, plus strand): 5'-CAAGAAACCAAACAGACCTACGAGTGCCCTGTGTATAGAACCAAACTGAGAGGCCCCAGC[T>G]ACATCTGGACCTTCAGGCTGAAGAGCGAAGAGAAGACTGCAAAATGGGTTCTGGCTGGAG-3'
Protein context (NP_001264044.1, residues 4480-4500): VYRTKLRGPS[Tyr4490Asp]IWTFRLKSEE

ClinVar aggregate classification (germline): Uncertain significance (1 of 4 stars; one submission).

Conditions:
Primary ciliary dyskinesia. Also called: Ciliary dyskinesia. Identifiers: Orphanet 244, MedGen C0008780, MONDO:0016575, HP:0012265.

gnomAD v4.1: 2 of 1,610,716 alleles (0.00012%); highest among the groups gnomAD compares: Non-Finnish European, 0.00017%; no homozygotes.

Submission:

Labcorp Genetics (formerly Invitae), Labcorp
Classification: Uncertain significance for Primary ciliary dyskinesia. Last evaluated: 2025-11-01. Review status: criteria provided, single submitter. Criteria: Invitae Variant Classification Sherloc (09022015). Collection method: clinical testing. Allele origin: germline.
Comment: This sequence change replaces tyrosine, which is neutral and polar, with aspartic acid, which is acidic and polar, at codon 4490 of the DNAH11 protein (p.Tyr4490Asp). This variant is not present in population databases (gnomAD no frequency). This variant has not been reported in the literature in individuals affected with DNAH11-related conditions. Invitae Evidence Modeling of protein sequence and biophysical properties (such as structural, functional, and spatial information, amino acid conservation, physicochemical variation, residue mobility, and thermodynamic stability) has been performed for this missense variant. However, the output from this modeling did not meet the statistical confidence thresholds required to predict the impact of this variant on DNAH11 protein function. In summary, the available evidence is currently insufficient to determine the role of this variant in disease. Therefore, it has been classified as a Variant of Uncertain Significance.